The following is an entry in ClinVar:

NM_000812.4(GABRB1):c.618C>T (p.Ile206=)

Gene: GABRB1 (gamma-aminobutyric acid type A receptor subunit beta1; plus strand). Cytogenetic location: 4p12.
Variant type: single nucleotide variant.
Coding change: c.618C>T on transcript NM_000812.4 (MANE Select); coding-DNA position 618, C replaced by T.
Protein change: p.Ile206=; no amino-acid change (isoleucine 206 retained).
Molecular consequence: synonymous variant.
Genome position (GRCh38, 1-based): chr4:47,403,391, C>T. VCF-style: chr4-47403391-C-T. GRCh37 (hg19) VCF-style: chr4-47405408-C-T.
Identifiers: ClinVar variation 2177482 (VCV002177482.8), dbSNP rs6286, ClinGen allele CA2907645.

ClinVar aggregate classification (germline): Likely benign. Review status: criteria provided, multiple submitters, no conflicts (2 of 4 stars). 4 submissions from 4 submitters: Likely benign (4). Last evaluated 2026-07-01.

Conditions:
Developmental and epileptic encephalopathy, 45 (DEE45). Also called: Epileptic encephalopathy, early infantile, 45. Identifiers: MedGen C4310691, MONDO:0014942, OMIM 617153.

Allele frequency attached by ClinVar (database versions not stated): ExAC 0.00006.
gnomAD v4.1: 95 of 1,613,900 alleles (0.0059%); highest among the groups gnomAD compares: Non-Finnish European, 0.0068%; no homozygotes.

Submissions (4):

CeGaT Center for Human Genetics Tuebingen
Classification: Likely benign. Last evaluated: 2026-07-01. Review status: criteria provided, single submitter. Criteria: CeGaT Center For Human Genetics Tuebingen Variant Classification Criteria Version 2. Collection method: clinical testing. Allele origin: germline. Affected: yes. Observed: 1 variant allele.
Comment: GABRB1: BP4, BP7

Labcorp Genetics (formerly Invitae), Labcorp
Classification: Likely benign. Last evaluated: 2025-07-08. Review status: criteria provided, single submitter. Criteria: Invitae Variant Classification Sherloc (09022015). Collection method: clinical testing. Allele origin: germline.

Blueprint Genetics
Classification: Likely benign. Last evaluated: 2024-11-15. Review status: criteria provided, single submitter. Criteria: ACMG Guidelines, 2015. Collection method: clinical testing. Allele origin: germline.

Revvity Omics, Revvity
Classification: Likely benign for Developmental and epileptic encephalopathy, 45. Last evaluated: 2023-11-21. Review status: criteria provided, single submitter. Criteria: ACMG Guidelines, 2015. Collection method: clinical testing. Allele origin: germline.